The following is an entry in ClinVar:

NM_152703.5(SAMD9L):c.3445C>A (p.Leu1149Ile)

Gene: SAMD9L (sterile alpha motif domain containing 9 like; minus strand). Cytogenetic location: 7q21.2.
Variant type: single nucleotide variant.
Coding change: c.3445C>A on transcript NM_152703.5 (MANE Select); coding-DNA position 3445, C replaced by A.
Protein change: p.Leu1149Ile; replaces leucine 1149 with isoleucine.
Molecular consequence: missense variant.
Genome position (GRCh38, 1-based): chr7:93,132,527, G>T on the plus strand (C>A on the coding strand, the complement: SAMD9L is on the minus strand). VCF-style: chr7-93132527-G-T. GRCh37 (hg19) VCF-style: chr7-92761840-G-T.
Other names: c.3445C>A, p.Leu1149Ile (NM_001303496.3, NM_001303497.3, NM_001303498.3 and 5 more transcripts); short protein forms L1149I.
Identifiers: ClinVar variation 4630127 (VCV004630127.1).

ClinVar aggregate classification (germline): Uncertain significance (1 of 4 stars; one submission).

Conditions:
Inborn genetic diseases. Identifiers: MedGen C0950123, MeSH D030342.

Submission:

Ambry Genetics
Classification: Uncertain significance for Inborn genetic diseases. Last evaluated: 2025-11-16. Review status: criteria provided, single submitter. Criteria: Ambry Variant Classification Scheme 2023. Collection method: clinical testing. Allele origin: germline.
Comment: The p.L1149I variant (also known as c.3445C>A), located in coding exon 1 of the SAMD9L gene, results from a C to A substitution at nucleotide position 3445. The leucine at codon 1149 is replaced by isoleucine, an amino acid with highly similar properties. This amino acid position is conserved. In addition, this alteration is predicted to be tolerated by in silico analysis. Based on the available evidence, the clinical significance of this variant remains unclear.